The following is an entry in ClinVar:

NM_017841.4(SDHAF2):c.199dup (p.Arg67fs)

Gene: SDHAF2 (succinate dehydrogenase complex assembly factor 2; plus strand). Cytogenetic location: 11q12.2.
Variant type: Duplication.
Coding change: c.199dup on transcript NM_017841.4 (MANE Select); coding-DNA position 199, one base duplicated (A; older notation c.199dupA).
Protein change: p.Arg67fs; shifts the reading frame from arginine 67.
Molecular consequence: frameshift variant.
Genome position (GRCh38, 1-based): chr11:61,437,787, A duplicated; the last of 4 consecutive A bases (chr11:61,437,784-61,437,787); duplicating any one gives the same sequence. VCF-style (leftmost placement, unchanged base first): chr11-61437783-C-CA. GRCh37 (hg19) VCF-style: chr11-61205255-C-CA.
Other names: c.199dupA (NM_017841.2); short protein forms R67fs.
Identifiers: ClinVar variation 4844582 (VCV004844582.2).

ClinVar aggregate classification (germline): Pathogenic. Review status: criteria provided, multiple submitters, no conflicts (2 of 4 stars). 2 submissions from 2 submitters: Pathogenic (2). Last evaluated 2026-05-20.

Conditions:
Pheochromocytoma/paraganglioma syndrome 2. Also called: GLOMUS TUMORS, FAMILIAL, 2; Paragangliomas 2; SDHAF2-Related Hereditary Paraganglioma-Pheochromocytoma Syndrome (Paragangliomas 2); SDHAF2-Related Hereditary Paraganglioma-Pheochromocytoma Syndrome. Identifiers: Orphanet 29072, MedGen C1866552, MONDO:0011121, OMIM 601650.
Hereditary cancer-predisposing syndrome. Also called: Neoplastic Syndromes, Hereditary; Tumor predisposition; Hereditary neoplastic syndrome; Hereditary Cancer Syndrome. Identifiers: Orphanet 140162, MedGen C0027672, MeSH D009386, MONDO:0015356.

Submissions (2):

Myriad Genetics, Inc.
Classification: Pathogenic for Pheochromocytoma/paraganglioma syndrome 2. Last evaluated: 2026-05-20. Review status: criteria provided, single submitter. Criteria: Myriad Autosomal Dominant, Autosomal Recessive and X-Linked Classification Criteria (2023). Collection method: clinical testing. Allele origin: unknown.
Comment: This variant is considered pathogenic. This variant creates a frameshift predicted to result in premature protein truncation.

Ambry Genetics
Classification: Pathogenic for Hereditary cancer-predisposing syndrome. Last evaluated: 2026-03-02. Review status: criteria provided, single submitter. Criteria: Ambry Variant Classification Scheme 2023. Collection method: clinical testing. Allele origin: germline.
Comment: The c.199dupA pathogenic mutation, located in coding exon 2 of the SDHAF2 gene, results from a duplication of A at nucleotide position 199, causing a translational frameshift with a predicted alternate stop codon (p.R67Kfs*7). This variant is considered to be rare based on population cohorts in the Genome Aggregation Database (gnomAD). This alteration is expected to result in loss of function by premature protein truncation or nonsense-mediated mRNA decay. As such, this alteration is interpreted as a disease-causing mutation.